The following is an entry in ClinVar:

NM_004168.4(SDHA):c.118A>T (p.Asn40Tyr)

Gene: SDHA (succinate dehydrogenase complex flavoprotein subunit A; plus strand). Cytogenetic location: 5p15.33.
Variant type: single nucleotide variant.
Coding change: c.118A>T on transcript NM_004168.4 (MANE Select); coding-DNA position 118, A replaced by T.
Protein change: p.Asn40Tyr; replaces asparagine 40 with tyrosine.
Molecular consequence: missense variant.
Genome position (GRCh38, 1-based): chr5:223,536, A>T. VCF-style: chr5-223536-A-T. GRCh37 (hg19) VCF-style: chr5-223651-A-T.
Other names: c.118A>T, p.Asn40Tyr (NM_001294332.2, NM_001330758.2); short protein forms N40Y.
Identifiers: ClinVar variation 3316851 (VCV003316851.1).

ClinVar aggregate classification (germline): Uncertain significance (1 of 4 stars; one submission).

Conditions:
Hereditary cancer-predisposing syndrome. Also called: Neoplastic Syndromes, Hereditary; Tumor predisposition; Hereditary neoplastic syndrome; Hereditary Cancer Syndrome. Identifiers: Orphanet 140162, MedGen C0027672, MeSH D009386, MONDO:0015356.

Submission:

Ambry Genetics
Classification: Uncertain significance for Hereditary cancer-predisposing syndrome. Last evaluated: 2024-05-18. Review status: criteria provided, single submitter. Criteria: Ambry Variant Classification Scheme 2023. Collection method: clinical testing. Allele origin: germline.
Comment: The p.N40Y variant (also known as c.118A>T), located in coding exon 2 of the SDHA gene, results from an A to T substitution at nucleotide position 118. The asparagine at codon 40 is replaced by tyrosine, an amino acid with dissimilar properties. This amino acid position is conserved. In addition, this alteration is predicted to be tolerated by in silico analysis. Based on the available evidence, the clinical significance of this variant remains unclear.